The following is an entry in ClinVar:

ClinVar aggregate classification (germline): Conflicting classifications of pathogenicity. Review status: criteria provided, conflicting classifications (1 of 4 stars). 3 submissions from 3 submitters: Uncertain significance (2); Likely benign (1). Last evaluated 2026-02-01.

Conditions:
Cardiovascular phenotype. Identifiers: MedGen CN230736.

Allele frequency attached by ClinVar (database versions not stated): gnomAD 0.00002; gnomAD exomes 0.00003; TOPMed 0.00006; ExAC 0.00018.

Submissions (4):

Labcorp Genetics (formerly Invitae), Labcorp
Classification: Uncertain significance. Last evaluated: 2026-02-01. Review status: criteria provided, single submitter. Criteria: Invitae Variant Classification Sherloc (09022015). Collection method: clinical testing. Allele origin: germline.
Comment: This sequence change replaces arginine, which is basic and polar, with glutamine, which is neutral and polar, at codon 1711 of the ALPK3 protein (p.Arg1711Gln). This variant is present in population databases (rs759735714, gnomAD 0.02%). This variant has not been reported in the literature in individuals affected with ALPK3-related conditions. ClinVar contains an entry for this variant (Variation ID: 1745562). Invitae Evidence Modeling of protein sequence and biophysical properties (such as structural, functional, and spatial information, amino acid conservation, physicochemical variation, residue mobility, and thermodynamic stability) indicates that this missense variant is expected to disrupt ALPK3 protein function with a positive predictive value of 80%. In summary, the available evidence is currently insufficient to determine the role of this variant in disease. Therefore, it has been classified as a Variant of Uncertain Significance.

Ambry Genetics
Classification: Uncertain significance for Cardiovascular phenotype. Last evaluated: 2025-05-22. Review status: criteria provided, single submitter. Criteria: Ambry Variant Classification Scheme 2023. Collection method: clinical testing. Allele origin: germline.
Comment: The p.R1711Q variant (also known as c.5132G>A), located in coding exon 12 of the ALPK3 gene, results from a G to A substitution at nucleotide position 5132. The arginine at codon 1711 is replaced by glutamine, an amino acid with highly similar properties. This amino acid position is conserved. In addition, this alteration is predicted to be tolerated by in silico analysis. Since supporting evidence is limited at this time, the clinical significance of this alteration remains unclear.

Blueprint Genetics
Classification: Likely benign. Last evaluated: 2024-04-22. Review status: criteria provided, single submitter. Criteria: ACMG Guidelines, 2015. Collection method: clinical testing. Allele origin: germline.

Dr. Peter K. Rogan Lab, Western University
No classification provided (evidence only). Condition: Sarcoma. Review status: no classification provided. Collection method: in vitro. Allele origin: not applicable. Functional consequence: retained intron. Not counted in ClinVar's aggregate classification.

NM_020778.5(ALPK3):c.4526G>A (p.Arg1509Gln)

Gene: ALPK3 (alpha kinase 3; plus strand). Cytogenetic location: 15q25.3.
Variant type: single nucleotide variant.
Coding change: c.4526G>A on transcript NM_020778.5 (MANE Select); coding-DNA position 4526, G replaced by A.
Protein change: p.Arg1509Gln; replaces arginine 1509 with glutamine.
Molecular consequence: missense variant.
Genome position (GRCh38, 1-based): chr15:84,864,468, G>A. VCF-style: chr15-84864468-G-A. GRCh37 (hg19) VCF-style: chr15-85407699-G-A.
Other names: short protein forms R1509Q.
Identifiers: ClinVar variation 1745562 (VCV001745562.10), dbSNP rs759735714, ClinGen allele CA7710018.